The following is an entry in ClinVar:

NM_003502.4(AXIN1):c.117C>T (p.Pro39=)

Gene: AXIN1 (axin 1; minus strand). Cytogenetic location: 16p13.3.
Variant type: single nucleotide variant.
Coding change: c.117C>T on transcript NM_003502.4 (MANE Select); coding-DNA position 117, C replaced by T.
Protein change: p.Pro39=; no amino-acid change (proline 39 retained).
Molecular consequence: synonymous variant. On other transcripts: non-coding transcript variant (1).
Genome position (GRCh38, 1-based): chr16:346,909, G>A on the plus strand (C>T on the coding strand, the complement: AXIN1 is on the minus strand). VCF-style: chr16-346909-G-A. GRCh37 (hg19) VCF-style: chr16-396909-G-A.
Other names: c.117C>T, p.Pro39= (NM_181050.3).
Identifiers: ClinVar variation 2645787 (VCV002645787.24), dbSNP rs137878236, ClinGen allele CA7774555.

ClinVar aggregate classification (germline): Likely benign (1 of 4 stars; one submission).

Allele frequency attached by ClinVar (database versions not stated): TOPMed 0.00016; ESP Exome Variant Server 0.00023; gnomAD 0.00038; gnomAD exomes 0.00065; ExAC 0.00121; 1000 Genomes Project 30x 0.00125; 1000 Genomes Project 0.00140.
gnomAD v4.1: 998 of 1,613,816 alleles (0.062%); highest among the groups gnomAD compares: South Asian, 0.76%; 11 homozygotes.

Submission:

CeGaT Center for Human Genetics Tuebingen
Classification: Likely benign. Last evaluated: 2023-03-01. Review status: criteria provided, single submitter. Criteria: CeGaT Center For Human Genetics Tuebingen Variant Classification Criteria Version 2. Collection method: clinical testing. Allele origin: germline. Affected: yes. Observed: 1 variant allele.
Comment: AXIN1: BP4, BP7, BS2